The following is an entry in ClinVar:

ClinVar aggregate classification (germline): Likely benign (1 of 4 stars; one submission).

Allele frequency attached by ClinVar (database versions not stated): 1000 Genomes Project 30x 0.00312; 1000 Genomes Project 0.00359; ExAC 0.00537; ESP Exome Variant Server 0.00592.
gnomAD v4.1: 9,790 of 1,614,102 alleles (0.61%); highest among the groups gnomAD compares: Middle Eastern, 1.1%; 36 homozygotes.

Submission:

CeGaT Center for Human Genetics Tuebingen
Classification: Likely benign. Last evaluated: 2026-09-01. Review status: criteria provided, single submitter. Criteria: CeGaT Center For Human Genetics Tuebingen Variant Classification Criteria Version 2. Collection method: clinical testing. Allele origin: germline. Affected: yes. Observed: 18 variant alleles.
Comment: SLC26A10P: BS2

NM_001478.5(B4GALNT1):c.*1859A>C

Gene: B4GALNT1 (beta-1,4-N-acetyl-galactosaminyltransferase 1; minus strand). Cytogenetic location: 12q13.3.
Variant type: single nucleotide variant.
Coding change: c.*1859A>C on transcript NM_001478.5 (MANE Select); 1859 bases downstream of the stop codon, A replaced by C.
Molecular consequence: 3 prime UTR variant. On other transcripts: non-coding transcript variant (2).
Genome position (GRCh38, 1-based): chr12:57,624,885, T>G on the plus strand (A>C on the coding strand, the complement: B4GALNT1 is on the minus strand). VCF-style: chr12-57624885-T-G. GRCh37 (hg19) VCF-style: chr12-58018668-T-G.
Other names: c.*1859A>C (NM_001413984.1, NM_001276468.2, NM_001413967.1 and 12 more transcripts).
Identifiers: ClinVar variation 2643143 (VCV002643143.23), dbSNP rs111924104, ClinGen allele CA6655219.